The following is an entry in ClinVar:

ClinVar aggregate classification (germline): Uncertain significance (1 of 4 stars; one submission).

gnomAD v4.1: 27 of 1,613,804 alleles (0.0017%); highest among the groups gnomAD compares: Admixed American, 0.045%; no homozygotes.

Submission:

Labcorp Genetics (formerly Invitae), Labcorp
Classification: Uncertain significance. Last evaluated: 2026-01-02. Review status: criteria provided, single submitter. Criteria: Invitae Variant Classification Sherloc (09022015). Collection method: clinical testing. Allele origin: germline.
Comment: This sequence change replaces glutamine, which is neutral and polar, with glutamic acid, which is acidic and polar, at codon 189 of the NDUFAF7 protein (p.Gln189Glu). This variant is present in population databases (rs755139652, gnomAD 0.06%), and has an allele count higher than expected for a pathogenic variant. This variant has not been reported in the literature in individuals affected with NDUFAF7-related conditions. An algorithm developed to predict the effect of missense changes on protein structure and function outputs the following: PolyPhen-2: "Benign". The glutamic acid amino acid residue is found in multiple mammalian species, which suggests that this missense change does not adversely affect protein function. In summary, the available evidence is currently insufficient to determine the role of this variant in disease. Therefore, it has been classified as a Variant of Uncertain Significance.

NM_144736.5(NDUFAF7):c.859C>G (p.Gln287Glu)

Gene: NDUFAF7 (NADH:ubiquinone oxidoreductase complex assembly factor 7; plus strand). Cytogenetic location: 2p22.2.
Variant type: single nucleotide variant.
Coding change: c.859C>G on transcript NM_144736.5 (MANE Select); coding-DNA position 859, C replaced by G.
Protein change: p.Gln287Glu; replaces glutamine 287 with glutamic acid.
Molecular consequence: missense variant. On other transcripts: non-coding transcript variant (10).
Genome position (GRCh38, 1-based): chr2:37,246,118, C>G. VCF-style: chr2-37246118-C-G. GRCh37 (hg19) VCF-style: chr2-37473261-C-G.
Other names: c.565C>G, p.Gln189Glu (NM_001083946.2); c.859C>G, p.Gln287Glu (NM_001350024.2); c.778C>G, p.Gln260Glu (NM_001350025.2); c.646C>G, p.Gln216Glu (NM_001350027.2); short protein forms Q260E, Q189E, Q216E, Q287E.
Identifiers: ClinVar variation 4748949 (VCV004748949.1).